The following is an entry in ClinVar:

NM_004700.4(KCNQ4):c.777_778delinsCT (p.Glu260Ter)

Gene: KCNQ4 (potassium voltage-gated channel subfamily Q member 4; plus strand). Cytogenetic location: 1p34.2.
Variant type: Indel.
Coding change: c.777_778delinsCT on transcript NM_004700.4 (MANE Select); coding-DNA positions 777 to 778, TG replaced by CT.
Protein change: p.Glu260Ter; replaces glutamic acid 260 with a stop codon.
Molecular consequence: nonsense.
Genome position (GRCh38, 1-based): chr1:40,819,415-40,819,416, TG replaced by CT. VCF-style: chr1-40819415-TG-CT. GRCh37 (hg19) VCF-style: chr1-41285087-TG-CT.
Other names: c.777_778delinsCT, p.Glu260Ter (NM_172163.3); short protein forms E260*.
Identifiers: ClinVar variation 4764224 (VCV004764224.1).

ClinVar aggregate classification (germline): Pathogenic (1 of 4 stars; one submission).

Submission:

Labcorp Genetics (formerly Invitae), Labcorp
Classification: Pathogenic. Last evaluated: 2025-09-15. Review status: criteria provided, single submitter. Criteria: Invitae Variant Classification Sherloc (09022015). Collection method: clinical testing. Allele origin: germline.
Comment: This sequence change creates a premature translational stop signal (p.Glu260*) in the KCNQ4 gene. It is expected to result in an absent or disrupted protein product. Loss-of-function variants in KCNQ4 are known to be pathogenic (PMID: 23717403). Information on the frequency of this variant in the gnomAD database is not available, as this variant may be reported differently in the database. This variant has not been reported in the literature in individuals affected with KCNQ4-related conditions. For these reasons, this variant has been classified as Pathogenic.

Literature cited by the submitters: PubMed 23717403.